The following is an entry in ClinVar:

ClinVar aggregate classification (germline): Uncertain significance. Review status: criteria provided, multiple submitters, no conflicts (2 of 4 stars). 2 submissions from 2 submitters: Uncertain significance (2). Last evaluated 2022-12-01.

Conditions:
Inborn genetic diseases. Identifiers: MedGen C0950123, MeSH D030342.

Allele frequency attached by ClinVar (database versions not stated): gnomAD exomes below 0.00001 and 0.00002; TOPMed below 0.00001; gnomAD 0.00001.
gnomAD v4.1: 36 of 1,614,100 alleles (0.0022%); highest among the groups gnomAD compares: Non-Finnish European, 0.003%; no homozygotes.

Submissions (2):

Ambry Genetics
Classification: Uncertain significance for Inborn genetic diseases. Last evaluated: 2022-12-01. Review status: criteria provided, single submitter. Criteria: Ambry Variant Classification Scheme 2023. Collection method: clinical testing. Allele origin: germline.

Labcorp Genetics (formerly Invitae), Labcorp
Classification: Uncertain significance. Last evaluated: 2021-09-01. Review status: criteria provided, single submitter. Criteria: Invitae Variant Classification Sherloc (09022015). Collection method: clinical testing. Allele origin: germline.
Comment: This sequence change replaces isoleucine with valine at codon 265 of the TBCE protein (p.Ile265Val). The isoleucine residue is weakly conserved and there is a small physicochemical difference between isoleucine and valine. This variant is not present in population databases (ExAC no frequency). This variant has not been reported in the literature in individuals affected with TBCE-related conditions. Algorithms developed to predict the effect of missense changes on protein structure and function output the following: SIFT: "Tolerated"; PolyPhen-2: "Benign"; Align-GVGD: "Class C0". The valine amino acid residue is found in multiple mammalian species, which suggests that this missense change does not adversely affect protein function. Algorithms developed to predict the effect of sequence changes on RNA splicing suggest that this variant may create or strengthen a splice site. In summary, the available evidence is currently insufficient to determine the role of this variant in disease. Therefore, it has been classified as a Variant of Uncertain Significance.

NM_003193.5(TBCE):c.793A>G (p.Ile265Val)

Gene: TBCE (tubulin folding cofactor E; plus strand). Cytogenetic location: 1q42.3.
Variant type: single nucleotide variant.
Coding change: c.793A>G on transcript NM_003193.5 (MANE Select); coding-DNA position 793, A replaced by G.
Protein change: p.Ile265Val; replaces isoleucine 265 with valine.
Molecular consequence: missense variant.
Genome position (GRCh38, 1-based): chr1:235,435,800, A>G. VCF-style: chr1-235435800-A-G. GRCh37 (hg19) VCF-style: chr1-235599115-A-G.
Other names: c.793A>G, p.Ile265Val (NM_001079515.3); c.946A>G, p.Ile316Val (NM_001287801.2); c.454A>G, p.Ile152Val (NM_001287802.2); c.793A>G (NM_003193.3); short protein forms I265V, I316V, I152V.
Identifiers: ClinVar variation 1507956 (VCV001507956.6), dbSNP rs1319573852, ClinGen allele CA344938106.
Genomic context (GRCh38, chr1:235,435,800, plus strand): 5'-TACAGGCCAACAGATGTTCTCCAGACAGTCAAGTTATTAGATCTTTCCTCTAATCAATTA[A>G]TTGATGAAAATCAGCTGTATCTGATAGCCCACCTGCCCAGGTAATTTGCCCCTAAATGCC-3'
Protein context (NP_003184.1, residues 255-275): KLLDLSSNQL[Ile265Val]DENQLYLIAH